The following is an entry in ClinVar:

ClinVar aggregate classification (germline): Uncertain significance. Review status: criteria provided, multiple submitters, no conflicts (2 of 4 stars). 2 submissions from 2 submitters: Uncertain significance (2). Last evaluated 2025-12-15.

Conditions:
Inborn genetic diseases. Identifiers: MedGen C0950123, MeSH D030342.
Jeune thoracic dystrophy. Also called: Short-rib thoracic dysplasia; Jeune syndrome; Infantile thoracic dystrophy; Thoracic pelvic phalangeal dystrophy; Jeune's syndrome; Chondroectodermal dysplasia-like syndrome. Identifiers: Orphanet 474, MedGen C0265275, MONDO:0018770.

Allele frequency attached by ClinVar (database versions not stated): 1000 Genomes Project 0.00020; gnomAD 0.00001; gnomAD exomes 0.00001; ExAC 0.00002; 1000 Genomes Project 30x 0.00016.
gnomAD v4.1: 4 of 1,612,570 alleles (0.00025%); highest among the groups gnomAD compares: African/African-American, 0.0027%; no homozygotes.

Submissions (2):

Ambry Genetics
Classification: Uncertain significance for Inborn genetic diseases. Last evaluated: 2025-12-15. Review status: criteria provided, single submitter. Criteria: Ambry Variant Classification Scheme 2023. Collection method: clinical testing. Allele origin: germline.

Labcorp Genetics (formerly Invitae), Labcorp
Classification: Uncertain significance for Jeune thoracic dystrophy. Last evaluated: 2021-09-06. Review status: criteria provided, single submitter. Criteria: Invitae Variant Classification Sherloc (09022015). Collection method: clinical testing. Allele origin: germline.
Comment: This sequence change replaces proline with leucine at codon 174 of the IFT80 protein (p.Pro174Leu). The proline residue is highly conserved and there is a moderate physicochemical difference between proline and leucine. This variant is present in population databases (rs554727578, ExAC 0.02%). This variant has not been reported in the literature in individuals affected with IFT80-related conditions. Algorithms developed to predict the effect of missense changes on protein structure and function are either unavailable or do not agree on the potential impact of this missense change (SIFT: "Deleterious"; PolyPhen-2: "Probably Damaging"; Align-GVGD: "Class C15"). In summary, the available evidence is currently insufficient to determine the role of this variant in disease. Therefore, it has been classified as a Variant of Uncertain Significance.

NM_020800.3(IFT80):c.521C>T (p.Pro174Leu)

Genes: TRIM59-IFT80 (TRIM59-IFT80 readthrough (NMD candidate); minus strand), IFT80 (intraflagellar transport 80; minus strand). Cytogenetic location: 3q25.33.
Variant type: single nucleotide variant.
Coding change: c.521C>T on transcript NM_020800.3 (MANE Select); coding-DNA position 521, C replaced by T.
Protein change: p.Pro174Leu; replaces proline 174 with leucine.
Molecular consequence: missense variant. On other transcripts: non-coding transcript variant (3).
Genome position (GRCh38, 1-based): chr3:160,366,071, G>A on the plus strand (C>T on the coding strand, the complement: IFT80 is on the minus strand). VCF-style: chr3-160366071-G-A. GRCh37 (hg19) VCF-style: chr3-160083859-G-A.
Other names: c.110C>T, p.Pro37Leu (NM_001190241.2, NM_001190242.2); c.521C>T (NM_020800.2); short protein forms P37L, P174L.
Identifiers: ClinVar variation 1469741 (VCV001469741.4), dbSNP rs554727578, ClinGen allele CA2685462.
Genomic context (GRCh38, chr3:160,366,071, plus strand): 5'-CTGATAACAATTTACAAATGACTGAGAAGTACCTGCAAAACTTTAGCATTTGGTTGAAGA[G>A]GTTTAATGATTAGCTGCTTGCCTGCTGTATAAAGAACCTTTTCTGAATCAGGGCCCCACG-3'
Protein context (NP_065851.1, residues 164-184): YTAGKQLIIK[Pro174Leu]LQPNAKVLQW